The following is an entry in ClinVar:

NM_017950.4(CCDC40):c.2450-1G>A

Gene: CCDC40 (coiled-coil domain 40 molecular ruler complex subunit; plus strand). Cytogenetic location: 17q25.3.
Variant type: single nucleotide variant.
Coding change: c.2450-1G>A on transcript NM_017950.4 (MANE Select); the canonical splice acceptor site of the intron before coding-DNA position 2450, G replaced by A.
Molecular consequence: splice acceptor variant.
Genome position (GRCh38, 1-based): chr17:80,087,606, G>A. VCF-style: chr17-80087606-G-A. GRCh37 (hg19) VCF-style: chr17-78061405-G-A.
Other names: c.2450-1G>A (NM_001243342.2).
Identifiers: ClinVar variation 407762 (VCV000407762.8), dbSNP rs774081599, ClinGen allele CA8814217.

ClinVar aggregate classification (germline): Likely pathogenic (1 of 4 stars; one submission).

Conditions:
Primary ciliary dyskinesia. Also called: Ciliary dyskinesia. Identifiers: Orphanet 244, MedGen C0008780, MONDO:0016575, HP:0012265.

Allele frequency attached by ClinVar (database versions not stated): gnomAD exomes below 0.00001; ExAC 0.00001.
gnomAD v4.1: 3 of 1,614,052 alleles (0.00019%); highest among the groups gnomAD compares: Non-Finnish European, 0.00017%; no homozygotes.

Submissions (2):

Labcorp Genetics (formerly Invitae), Labcorp
Classification: Likely pathogenic for Primary ciliary dyskinesia. Last evaluated: 2025-07-22. Review status: criteria provided, single submitter. Criteria: Invitae Variant Classification Sherloc (09022015). Collection method: clinical testing. Allele origin: germline.
Comment: This sequence change affects an acceptor splice site in intron 14 of the CCDC40 gene. It is expected to disrupt RNA splicing. Variants that disrupt the donor or acceptor splice site typically lead to a loss of protein function (PMID: 16199547), and loss-of-function variants in CCDC40 are known to be pathogenic (PMID: 21131974, 22693285, 23255504). The frequency data for this variant in the population databases is considered unreliable, as metrics indicate poor data quality at this position in the gnomAD database. This variant has not been reported in the literature in individuals affected with CCDC40-related conditions. ClinVar contains an entry for this variant (Variation ID: 407762). Algorithms developed to predict the effect of sequence changes on RNA splicing suggest that this variant may disrupt the consensus splice site. In summary, the currently available evidence indicates that the variant is pathogenic, but additional data are needed to prove that conclusively. Therefore, this variant has been classified as Likely Pathogenic.

Dr. Peter K. Rogan Lab, Western University
No classification provided (evidence only). Condition: Thyroid cancer, nonmedullary, 1. Review status: no classification provided. Collection method: in vitro. Allele origin: not applicable. Functional consequence: retained intron. Not counted in ClinVar's aggregate classification.

Literature cited by the submitters: PubMed 16199547 (cited by Labcorp Genetics (formerly Invitae), Labcorp); PubMed 21131974 (cited by Labcorp Genetics (formerly Invitae), Labcorp); PubMed 22693285 (cited by Labcorp Genetics (formerly Invitae), Labcorp); PubMed 23255504 (cited by Labcorp Genetics (formerly Invitae), Labcorp).